The following is an entry in ClinVar:

NM_001385641.1(SAMD11):c.2075T>G (p.Met692Arg)

Genes: SAMD11 (sterile alpha motif domain containing 11; plus strand), LOC129929063 (ATAC-STARR-seq lymphoblastoid active region 4; plus strand). Cytogenetic location: 1p36.33.
Variant type: single nucleotide variant.
Coding change: c.2075T>G on transcript NM_001385641.1 (MANE Select); coding-DNA position 2075, T replaced by G.
Protein change: p.Met692Arg; replaces methionine 692 with arginine.
Molecular consequence: missense variant.
Genome position (GRCh38, 1-based): chr1:943,274, T>G. VCF-style: chr1-943274-T-G. GRCh37 (hg19) VCF-style: chr1-878654-T-G.
Other names: c.2078T>G, p.Met693Arg (NM_001385640.1); c.1586T>G, p.Met529Arg (NM_152486.4); short protein forms M692R, M693R, M529R.
Identifiers: ClinVar variation 1358126 (VCV001358126.8), dbSNP rs780953917, ClinGen allele CA503132.

ClinVar aggregate classification (germline): Uncertain significance (1 of 4 stars; one submission).

Allele frequency attached by ClinVar (database versions not stated): gnomAD exomes 0.00001.

Submission:

Labcorp Genetics (formerly Invitae), Labcorp
Classification: Uncertain significance. Last evaluated: 2021-05-28. Review status: criteria provided, single submitter. Criteria: Invitae Variant Classification Sherloc (09022015). Collection method: clinical testing. Allele origin: germline.
Comment: This sequence change replaces methionine with arginine at codon 529 of the SAMD11 protein (p.Met529Arg). The methionine residue is weakly conserved and there is a moderate physicochemical difference between methionine and arginine. This variant is present in population databases (rs780953917, ExAC 0.002%). This variant has not been reported in the literature in individuals with SAMD11-related conditions. Algorithms developed to predict the effect of missense changes on protein structure and function are either unavailable or do not agree on the potential impact of this missense change (SIFT: "Deleterious"; PolyPhen-2: "Benign"; Align-GVGD: "Class C0"). In summary, the available evidence is currently insufficient to determine the role of this variant in disease. Therefore, it has been classified as a Variant of Uncertain Significance.